The following is an entry in ClinVar:

NM_004991.4(MECOM):c.738T>A (p.Phe246Leu)

Gene: MECOM (MDS1 and EVI1 complex locus; minus strand). Cytogenetic location: 3q26.2.
Variant type: single nucleotide variant.
Coding change: c.738T>A on transcript NM_004991.4 (MANE Select); coding-DNA position 738, T replaced by A.
Protein change: p.Phe246Leu; replaces phenylalanine 246 with leucine.
Molecular consequence: missense variant.
Genome position (GRCh38, 1-based): chr3:169,127,936, A>T on the plus strand (T>A on the coding strand, the complement: MECOM is on the minus strand). VCF-style: chr3-169127936-A-T. GRCh37 (hg19) VCF-style: chr3-168845724-A-T.
Other names: c.738T>A, p.Phe246Leu (NM_001366466.2, NM_001366473.2); c.174T>A, p.Phe58Leu (NM_001366467.2, NM_001366468.2, NM_001366469.2 and 9 more transcripts); c.366T>A, p.Phe122Leu (NM_001105077.4); short protein forms F122L, F58L, F246L.
Identifiers: ClinVar variation 5024155 (VCV005024155.1).

ClinVar aggregate classification (germline): Uncertain significance (1 of 4 stars; one submission).

Conditions:
Inborn genetic diseases. Identifiers: MedGen C0950123, MeSH D030342.

gnomAD v4.1: 1 of 1,614,092 alleles (0.000062%); highest among the groups gnomAD compares: East Asian, 0.0022%; no homozygotes.

Submission:

Ambry Genetics
Classification: Uncertain significance for Inborn genetic diseases. Last evaluated: 2026-07-25. Review status: criteria provided, single submitter. Criteria: Ambry Variant Classification Scheme 2023. Collection method: clinical testing. Allele origin: germline.
Comment: The p.F246L variant (also known as c.738T>A), located in coding exon 5 of the MECOM gene, results from a T to A substitution at nucleotide position 738. The phenylalanine at codon 246 is replaced by leucine, an amino acid with highly similar properties. This amino acid position is conserved. In addition, this alteration is predicted to be tolerated by in silico analysis. Based on the available evidence, the clinical significance of this variant remains unclear.